The following is an entry in ClinVar:

ClinVar aggregate classification (germline): Uncertain significance. Review status: criteria provided, multiple submitters, no conflicts (2 of 4 stars). 2 submissions from 2 submitters: Uncertain significance (2). Last evaluated 2024-10-22.

Conditions:
Glycogen storage disease type III (GSD3). Also called: Cori disease; FORBES DISEASE. Identifiers: Orphanet 366, MedGen C0017922, MONDO:0009291, OMIM 232400.

Allele frequency attached by ClinVar (database versions not stated): ExAC 0.00001; gnomAD 0.00001; gnomAD exomes 0.00001.
gnomAD v4.1: 6 of 1,613,396 alleles (0.00037%); highest among the groups gnomAD compares: Non-Finnish European, 0.00042%; no homozygotes.

Submissions (2):

Labcorp Genetics (formerly Invitae), Labcorp
Classification: Uncertain significance for Glycogen storage disease type III. Last evaluated: 2024-10-22. Review status: criteria provided, single submitter. Criteria: Invitae Variant Classification Sherloc (09022015). Collection method: clinical testing. Allele origin: germline.
Comment: This sequence change replaces glutamic acid, which is acidic and polar, with lysine, which is basic and polar, at codon 1076 of the AGL protein (p.Glu1076Lys). This variant is present in population databases (rs758909395, gnomAD 0.002%). This variant has not been reported in the literature in individuals affected with AGL-related conditions. ClinVar contains an entry for this variant (Variation ID: 2065417). An algorithm developed to predict the effect of missense changes on protein structure and function (PolyPhen-2) suggests that this variant¬†is likely to be tolerated. In summary, the available evidence is currently insufficient to determine the role of this variant in disease. Therefore, it has been classified as a Variant of Uncertain Significance.

Clinical Genomics Laboratory, Stanford Medicine
Classification: Uncertain significance for Glycogen storage disease type III. Last evaluated: 2021-06-02. Review status: criteria provided, single submitter. Criteria: ACMG Guidelines, 2015. Collection method: clinical testing. Allele origin: germline. Affected: yes. Observed: 1 heterozygote.
Comment: • The p.Glu1076Lys variant in the AGL gene has not been previously reported in association with disease. • This variant has been identified in 2/128,966 European chromosomes by the Genome Aggregation Database. • Computational tools predict that this variant does not impact protein function; however, the accuracy of in silico algorithms is limited. • These data were assessed using the ACMG/AMP variant interpretation guidelines. In summary, the significance of the p.Glu1076Lys variant is uncertain. Additional information is needed to resolve the significance of this variant. [ACMG evidence codes used: PM2]

NM_000642.3(AGL):c.3226G>A (p.Glu1076Lys)

Gene: AGL (amylo-alpha-1,6-glucosidase and 4-alpha-glucanotransferase; plus strand). Cytogenetic location: 1p21.2.
Variant type: single nucleotide variant.
Coding change: c.3226G>A on transcript NM_000642.3 (MANE Select); coding-DNA position 3226, G replaced by A.
Protein change: p.Glu1076Lys; replaces glutamic acid 1076 with lysine.
Molecular consequence: missense variant.
Genome position (GRCh38, 1-based): chr1:99,892,574, G>A. VCF-style: chr1-99892574-G-A. GRCh37 (hg19) VCF-style: chr1-100358130-G-A.
Other names: p.Glu1076Lys; c.3226G>A, p.Glu1076Lys (NM_000028.3, NM_000643.3, NM_000644.3 and 1 more transcripts); c.3178G>A, p.Glu1060Lys (NM_000646.3); c.3205G>A, p.Glu1069Lys (NM_001425326.1); c.3025G>A, p.Glu1009Lys (NM_001425327.1); c.3022G>A, p.Glu1008Lys (NM_001425328.1); c.2887G>A, p.Glu963Lys (NM_001425329.1); c.2848G>A, p.Glu950Lys (NM_001425332.1); and 1 more; short protein forms E1060K, E1076K, E1008K, E1009K, E1069K, E950K, E963K.
Identifiers: ClinVar variation 2065417 (VCV002065417.4), dbSNP rs758909395, ClinGen allele CA967001.